The following is an entry in ClinVar:

NM_031935.3(HMCN1):c.2978T>C (p.Ile993Thr)

Gene: HMCN1 (hemicentin 1; plus strand). Cytogenetic location: 1q31.1.
Variant type: single nucleotide variant.
Coding change: c.2978T>C on transcript NM_031935.3 (MANE Select); coding-DNA position 2978, T replaced by C.
Protein change: p.Ile993Thr; replaces isoleucine 993 with threonine.
Molecular consequence: missense variant.
Genome position (GRCh38, 1-based): chr1:185,987,474, T>C. VCF-style: chr1-185987474-T-C. GRCh37 (hg19) VCF-style: chr1-185956606-T-C.
Other names: c.2978T>C (NM_031935.2); short protein forms I993T.
Identifiers: ClinVar variation 1590473 (VCV001590473.10), dbSNP rs140061598, ClinGen allele CA1291584.

ClinVar aggregate classification (germline): Likely benign. Review status: criteria provided, single submitter (1 of 4 stars). 2 submissions from 2 submitters: Likely benign (1). 1 of the submissions does not count toward it. Last evaluated 2025-12-28.

Conditions:
HMCN1-related disorder. Also called: HMCN1-related condition.

Allele frequency attached by ClinVar (database versions not stated): gnomAD exomes 0.00010 and 0.00021; ExAC 0.00031; gnomAD 0.00089 and 0.00098; 1000 Genomes Project 0.00100; ESP Exome Variant Server 0.00108; 1000 Genomes Project 30x 0.00125.
gnomAD v4.1: 281 of 1,613,988 alleles (0.017%); highest among the groups gnomAD compares: African/African-American, 0.31%; no homozygotes.

Submissions (2):

Labcorp Genetics (formerly Invitae), Labcorp
Classification: Likely benign. Last evaluated: 2025-12-28. Review status: criteria provided, single submitter. Criteria: Invitae Variant Classification Sherloc (09022015). Collection method: clinical testing. Allele origin: germline.

PreventionGenetics, part of Exact Sciences
Classification: Likely benign for HMCN1-related condition. Last evaluated: 2019-09-19. Review status: no assertion criteria provided. Collection method: clinical testing. Allele origin: germline. Not counted in ClinVar's aggregate classification.
Comment: This variant is classified as likely benign based on ACMG/AMP sequence variant interpretation guidelines (Richards et al. 2015 PMID: 25741868, with internal and published modifications).